The following is an entry in ClinVar:

ClinVar aggregate classification (germline): Uncertain significance (1 of 4 stars; one submission).

Allele frequency attached by ClinVar (database versions not stated): TOPMed below 0.00001; gnomAD 0.00001; gnomAD exomes 0.00001 and 0.00003; ExAC 0.00002; 1000 Genomes Project 30x 0.00016; 1000 Genomes Project 0.00020.
gnomAD v4.1: 12 of 1,614,088 alleles (0.00074%); highest among the groups gnomAD compares: Admixed American, 0.01%; no homozygotes.

Submission:

Labcorp Genetics (formerly Invitae), Labcorp
Classification: Uncertain significance. Last evaluated: 2025-09-19. Review status: criteria provided, single submitter. Criteria: Invitae Variant Classification Sherloc (09022015). Collection method: clinical testing. Allele origin: germline.
Comment: This sequence change replaces asparagine, which is neutral and polar, with serine, which is neutral and polar, at codon 115 of the CAPN5 protein (p.Asn115Ser). This variant is present in population databases (rs182772370, gnomAD 0.02%). This variant has not been reported in the literature in individuals affected with CAPN5-related conditions. ClinVar contains an entry for this variant (Variation ID: 1434791). Invitae Evidence Modeling of protein sequence and biophysical properties (such as structural, functional, and spatial information, amino acid conservation, physicochemical variation, residue mobility, and thermodynamic stability) indicates that this missense variant is not expected to disrupt CAPN5 protein function with a negative predictive value of 80%. In summary, the available evidence is currently insufficient to determine the role of this variant in disease. Therefore, it has been classified as a Variant of Uncertain Significance.

NM_004055.5(CAPN5):c.344A>G (p.Asn115Ser)

Gene: CAPN5 (calpain 5; plus strand). Cytogenetic location: 11q13.5.
Variant type: single nucleotide variant.
Coding change: c.344A>G on transcript NM_004055.5 (MANE Select); coding-DNA position 344, A replaced by G.
Protein change: p.Asn115Ser; replaces asparagine 115 with serine.
Molecular consequence: missense variant.
Genome position (GRCh38, 1-based): chr11:77,112,635, A>G. VCF-style: chr11-77112635-A-G. GRCh37 (hg19) VCF-style: chr11-76823681-A-G.
Other names: short protein forms N115S.
Identifiers: ClinVar variation 1434791 (VCV001434791.6), dbSNP rs182772370, ClinGen allele CA6196416.